The following is an entry in ClinVar:

ClinVar aggregate classification (germline): Conflicting classifications of pathogenicity. Review status: criteria provided, conflicting classifications (1 of 4 stars). 9 submissions from 9 submitters: Pathogenic (3); Likely pathogenic (3); Uncertain significance (1). 2 of the submissions do not count toward it. Last evaluated 2026-10-22.

Conditions:
Pseudohypoparathyroidism type I A (PHP1A). Also called: Pseudohypoparathyroidism Type IA; Pseudohypoparathyroidism Ia (PHP-Ia); ALBRIGHT HEREDITARY OSTEODYSTROPHY WITH MULTIPLE HORMONE RESISTANCE; PHP IA; Pseudohypoparathyroidism type 1A. Identifiers: Orphanet 79443, MedGen C3494506, MONDO:0007078, OMIM 103580.
GNAS-related disorder. Identifiers: MedGen CN380105.

Submissions (9):

GeneDx
Classification: Likely pathogenic. Last evaluated: 2026-10-22. Review status: criteria provided, single submitter. Criteria: GeneDx Variant Classification Process June 2021. Collection method: clinical testing. Allele origin: germline.
Comment: Not observed at significant frequency in large population cohorts (gnomAD); In silico analysis supports that this missense variant has a deleterious effect on protein structure/function; This variant is associated with the following publications: (PMID: 23884777, 29059381, 31886927, 29970488, 36065636, 21525160, 29379892, 42577229, 41612354)

PreventionGenetics, part of Exact Sciences
Classification: Pathogenic for GNAS-related condition. Last evaluated: 2025-03-17. Review status: criteria provided, single submitter. Criteria: ACMG Guidelines, 2015. Collection method: clinical testing. Allele origin: germline.
Comment: The GNAS c.1096G>A variant is predicted to result in the amino acid substitution p.Ala366Thr. This variant has been reported in numerous individuals with a GNAS-related disorder (see for example: Kleinendorst et al. 2018. PubMed ID: 29970488; Salemi et al. 2018. PubMed ID: 29059381; Joseph et al. 2011. PubMed ID: 21525160). In at least one individual the variant was observed to be de novo (Kumar et al. 2022. PubMed ID: 36065636). In addition, an alternate missense change at the same amino acid position (p.Ala336Ser) has been reported in association with GNAS-related disorders (Iiri et al. 1994. PubMed ID: 8072545; Nakamoto etl al. 1996. PubMed ID: 8809352). In summary, the c.1096G>A (p.Ala366Thr) variant is classified as pathogenic.

Blueprint Genetics
Classification: Pathogenic for GNAS-related disorders. Last evaluated: 2024-07-12. Review status: criteria provided, single submitter. Criteria: ACMG Guidelines, 2015. Collection method: clinical testing. Allele origin: germline. Affected: yes. Observed: 2 variant alleles.

Labcorp Genetics (formerly Invitae), Labcorp
Classification: Pathogenic. Last evaluated: 2023-12-13. Review status: criteria provided, single submitter. Criteria: Invitae Variant Classification Sherloc (09022015). Collection method: clinical testing. Allele origin: germline.
Comment: This sequence change replaces alanine, which is neutral and non-polar, with threonine, which is neutral and polar, at codon 366 of the GNAS protein (p.Ala366Thr). This variant is not present in population databases (gnomAD no frequency). This missense change has been observed in individual(s) with GNAS-related conditions (PMID: 21525160, 23884777, 29379892, 29970488, 31886927). In at least one individual the variant was observed to be de novo. This variant is also known as p.Ala367Thr. ClinVar contains an entry for this variant (Variation ID: 501069). Advanced modeling of protein sequence and biophysical properties (such as structural, functional, and spatial information, amino acid conservation, physicochemical variation, residue mobility, and thermodynamic stability) performed at Invitae indicates that this missense variant is expected to disrupt GNAS protein function with a positive predictive value of 80%. For these reasons, this variant has been classified as Pathogenic.

Laboratorio de Genetica e Diagnostico Molecular, Hospital Israelita Albert Einstein
Classification: Likely pathogenic for Pseudohypoparathyroidism type I A. Last evaluated: 2022-11-18. Review status: criteria provided, single submitter. Criteria: ACMG Guidelines, 2015. Collection method: clinical testing. Allele origin: germline. Affected: yes. Observed: 1 variant allele.
Comment: ACMG classification criteria: PS4 strong, PM2 moderated, PM6 moderated, PP3 supporting

CeGaT Center for Human Genetics Tuebingen
Classification: Likely pathogenic. Last evaluated: 2022-04-01. Review status: criteria provided, single submitter. Criteria: CeGaT Center For Human Genetics Tuebingen Variant Classification Criteria Version 2. Collection method: clinical testing. Allele origin: germline. Affected: yes. Observed: 1 variant allele.
Comment: GNAS: PM2, PP1, PP2, PP3, PS4:Supporting

Eurofins Ntd Llc (ga)
Classification: Uncertain significance. Last evaluated: 2017-04-13. Review status: criteria provided, single submitter. Criteria: EGL Classification Definitions 2015. Collection method: clinical testing. Allele origin: germline. Observed: 1 variant allele, 1 heterozygote.

Genome Diagnostics Laboratory, Amsterdam University Medical Center
Classification: Likely pathogenic. Review status: no assertion criteria provided. Collection method: clinical testing. Allele origin: germline. Affected: yes. Study: VKGL Data-share Consensus. Not counted in ClinVar's aggregate classification.

Genome Diagnostics Laboratory, University Medical Center Utrecht
Classification: Pathogenic. Review status: no assertion criteria provided. Collection method: clinical testing. Allele origin: germline. Affected: yes. Study: VKGL Data-share Consensus. Not counted in ClinVar's aggregate classification.

Literature cited by the submitters: PubMed 21525160 (cited by Labcorp Genetics (formerly Invitae), Labcorp); PubMed 23884777 (cited by Labcorp Genetics (formerly Invitae), Labcorp); PubMed 29379892 (cited by Labcorp Genetics (formerly Invitae), Labcorp); PubMed 29970488 (cited by Labcorp Genetics (formerly Invitae), Labcorp); PubMed 31886927 (cited by Labcorp Genetics (formerly Invitae), Labcorp).

NM_000516.7(GNAS):c.1096G>A (p.Ala366Thr)

Gene: GNAS (GNAS complex locus; plus strand). Cytogenetic location: 20q13.32.
Variant type: single nucleotide variant.
Coding change: c.1096G>A on transcript NM_000516.7 (MANE Select); coding-DNA position 1096, G replaced by A.
Protein change: p.Ala366Thr; replaces alanine 366 with threonine.
Molecular consequence: missense variant. On other transcripts: 3 prime UTR variant (2).
Genome position (GRCh38, 1-based): chr20:58,910,740, G>A. VCF-style: chr20-58910740-G-A. GRCh37 (hg19) VCF-style: chr20-57485795-G-A.
Other names: c.1099G>A, p.Ala367Thr (NM_001077488.5); c.1051G>A, p.Ala351Thr (NM_001077489.4); c.*957G>A (NM_001077490.3); c.919G>A, p.Ala307Thr (NM_001309840.2, NM_001309861.2); c.*1002G>A (NM_016592.5); c.3025G>A, p.Ala1009Thr (NM_080425.4); c.1054G>A, p.Ala352Thr (NM_080426.4); c.1096G>A (NM_000516.4, NM_000516.6, NM_000516.5); short protein forms A366T, A367T, A351T, A352T, A1009T, A307T.
Identifiers: ClinVar variation 501069 (VCV000501069.47), dbSNP rs137854537, ClinGen allele CA409453811.
Genomic context (GRCh38, chr20:58,910,740, plus strand): 5'-CAGAGGATCAGCACTGCCAGTGGAGATGGGCGTCACTACTGCTACCCTCATTTCACCTGC[G>A]CTGTGGACACTGAGAACATCCGCCGTGTGTTCAACGACTGCCGTGACATCATTCAGCGCA-3'
Protein context (NP_000507.1, residues 356-376): RHYCYPHFTC[Ala366Thr]VDTENIRRVF